The following is an entry in ClinVar:

NM_024652.6(LRRK1):c.4116G>A (p.Ser1372=)

Genes: LRRK1 (leucine rich repeat kinase 1; plus strand), LRRK1-AS1 (LRRK1 antisense RNA 1; minus strand). Cytogenetic location: 15q26.3.
Variant type: single nucleotide variant.
Coding change: c.4116G>A on transcript NM_024652.6 (MANE Select); coding-DNA position 4116, G replaced by A.
Protein change: p.Ser1372=; no amino-acid change (serine 1372 retained).
Molecular consequence: synonymous variant.
Genome position (GRCh38, 1-based): chr15:101,055,007, G>A. VCF-style: chr15-101055007-G-A. GRCh37 (hg19) VCF-style: chr15-101595212-G-A.
Other names: c.4116G>A (NM_024652.5).
Identifiers: ClinVar variation 1664552 (VCV001664552.11), dbSNP rs376455076, ClinGen allele CA7761763.
Genomic context (GRCh38, chr15:101,055,007, plus strand): 5'-TTCTTCCTTTATACCCCTGGGACACATGCTCACCCAAAAAATAGCCTACCAGATCGCCTC[G>A]GGCCTGGCCTACCTGCACAAGAAAAACATCATCTTCTGTGACCTGAAGTCGGACAACATT-3'
Protein context (NP_078928.3, residues 1362-1382): LTQKIAYQIA[Ser1372=]GLAYLHKKNI

ClinVar aggregate classification (germline): Likely benign. Review status: criteria provided, multiple submitters, no conflicts (2 of 4 stars). 3 submissions from 3 submitters: Likely benign (2). 1 of the submissions does not count toward it. Last evaluated 2025-04-07.

Conditions:
LRRK1-related disorder. Also called: LRRK1-related condition.

Allele frequency attached by ClinVar (database versions not stated): ESP Exome Variant Server 0.00008; gnomAD 0.00011; 1000 Genomes Project 30x 0.00016; TOPMed 0.00016; 1000 Genomes Project 0.00020; gnomAD exomes 0.00022 and 0.00027; ExAC 0.00024.
gnomAD v4.1: 407 of 1,613,874 alleles (0.025%); highest among the groups gnomAD compares: Admixed American, 0.055%; no homozygotes.

Submissions (3):

Labcorp Genetics (formerly Invitae), Labcorp
Classification: Likely benign. Last evaluated: 2025-04-07. Review status: criteria provided, single submitter. Criteria: Invitae Variant Classification Sherloc (09022015). Collection method: clinical testing. Allele origin: germline.

Blueprint Genetics
Classification: Likely benign. Last evaluated: 2024-09-03. Review status: criteria provided, single submitter. Criteria: ACMG Guidelines, 2015. Collection method: clinical testing. Allele origin: germline.

PreventionGenetics, part of Exact Sciences
Classification: Likely benign for LRRK1-related condition. Last evaluated: 2020-01-20. Review status: no assertion criteria provided. Collection method: clinical testing. Allele origin: germline. Not counted in ClinVar's aggregate classification.
Comment: This variant is classified as likely benign based on ACMG/AMP sequence variant interpretation guidelines (Richards et al. 2015 PMID: 25741868, with internal and published modifications).